The following is an entry in ClinVar:

NC_000009.11:g.(?_214977)_(340341_?)del

Genes: DOCK8-AS1 (DOCK8 antisense RNA 1; minus strand), DOCK8 (dedicator of cytokinesis 8; plus strand). Cytogenetic location: 9p24.3.
Variant type: Deletion.
Identifiers: ClinVar variation 2427721 (VCV002427721.8).

ClinVar aggregate classification (germline): Pathogenic. Review status: criteria provided, single submitter (1 of 4 stars). 2 submissions from 1 submitter: Pathogenic (2). Last evaluated 2022-08-10.

Conditions:
Combined immunodeficiency due to DOCK8 deficiency (HIES2). Also called: HIES autosomal recessive; Hyper-IgE recurrent infection syndrome, autosomal recessive; DOCK8 Deficiency; HYPER-IgE RECURRENT INFECTION SYNDROME 2, AUTOSOMAL RECESSIVE; HYPER-IgE SYNDROME 2, AUTOSOMAL RECESSIVE, WITH RECURRENT INFECTIONS. Identifiers: Orphanet 217390, MedGen C4722305, MONDO:0009478, OMIM 243700.

Submissions (2):

Labcorp Genetics (formerly Invitae), Labcorp
Classification: Pathogenic for Combined immunodeficiency due to DOCK8 deficiency. Last evaluated: 2022-08-10. Review status: criteria provided, single submitter. Criteria: Invitae Variant Classification Sherloc (09022015). Collection method: clinical testing. Allele origin: germline.
Comment: This variant is a gross deletion of the genomic region encompassing exon(s) 1-14 of the DOCK8 gene, which includes the initiator codon. This deletion extends beyond the assayed region for this gene and therefore may encompass additional genes. It is expected to result in an absent or disrupted protein product. Loss-of-function variants in DOCK8 are known to be pathogenic (PMID: 14722525, 19776401). A similar copy number variant has been observed in individual(s) with hyper IgE syndrome (PMID: 23859592). For these reasons, this variant has been classified as Pathogenic.

Labcorp Genetics (formerly Invitae), Labcorp
Classification: Pathogenic for Combined immunodeficiency due to DOCK8 deficiency. Last evaluated: 2022-08-10. Review status: criteria provided, single submitter. Criteria: Invitae Variant Classification Sherloc (09022015). Collection method: clinical testing. Allele origin: unknown.
Comment: A similar copy number variant has been observed in individual(s) with hyper IgE syndrome (PMID: 23859592). For these reasons, this variant has been classified as Pathogenic. This variant is a gross deletion of the genomic region encompassing exon(s) 1-14 of the DOCK8 gene, which includes the initiator codon. This deletion extends beyond the assayed region for this gene and therefore may encompass additional genes. It is expected to result in an absent or disrupted protein product. Loss-of-function variants in DOCK8 are known to be pathogenic (PMID: 14722525, 19776401).

Literature cited by the submitters: PubMed 14722525; PubMed 19776401; PubMed 23859592.